The following is an entry in ClinVar:

ClinVar aggregate classification (germline): Uncertain significance (1 of 4 stars; one submission).

Conditions:
Inborn genetic diseases. Identifiers: MedGen C0950123, MeSH D030342.

gnomAD v4.1: 6 of 1,613,152 alleles (0.00037%); highest among the groups gnomAD compares: Non-Finnish European, 0.00051%; no homozygotes.

Submission:

Ambry Genetics
Classification: Uncertain significance for Inborn genetic diseases. Last evaluated: 2025-05-03. Review status: criteria provided, single submitter. Criteria: Ambry Variant Classification Scheme 2023. Collection method: clinical testing. Allele origin: germline.
Comment: The p.T89I variant (also known as c.266C>T), located in coding exon 3 of the SBDS gene, results from a C to T substitution at nucleotide position 266. The threonine at codon 89 is replaced by isoleucine, an amino acid with similar properties. This amino acid position is conserved. In addition, the in silico prediction for this alteration is inconclusive. Based on the available evidence, the clinical significance of this variant remains unclear.

NM_016038.4(SBDS):c.266C>T (p.Thr89Ile)

Gene: SBDS (SBDS ribosome maturation factor; minus strand). Cytogenetic location: 7q11.21.
Variant type: single nucleotide variant.
Coding change: c.266C>T on transcript NM_016038.4 (MANE Select); coding-DNA position 266, C replaced by T.
Protein change: p.Thr89Ile; replaces threonine 89 with isoleucine.
Molecular consequence: missense variant.
Genome position (GRCh38, 1-based): chr7:66,993,410, G>A on the plus strand (C>T on the coding strand, the complement: SBDS is on the minus strand). VCF-style: chr7-66993410-G-A. GRCh37 (hg19) VCF-style: chr7-66458397-G-A.
Other names: short protein forms T89I.
Identifiers: ClinVar variation 3950295 (VCV003950295.1).
Genomic context (GRCh38, chr7:66,993,410, plus strand): 5'-CTAAACATCTGCTCCAGTTGTGTGTGTCTTTCTTTATCTGATACTTGAACTTCTCCTTTA[G>A]TCAAAATCTAAAAAAATGCCAACACATTTAAGAAATCACTATCTTTCTCTATCACACACT-3'
Protein context (NP_057122.2, residues 79-99): DQTEICKQIL[Thr89Ile]KGEVQVSDKE